The following is an entry in ClinVar:

ClinVar aggregate classification (germline): Likely benign. Review status: criteria provided, multiple submitters, no conflicts (2 of 4 stars). 4 submissions from 4 submitters: Likely benign (3). 1 of the submissions does not count toward it. Last evaluated 2025-10-18.

Conditions:
Aortic aneurysm, familial thoracic 7 (AAT7). Also called: AORTIC DISSECTION, FAMILIAL, WITH OR WITHOUT AORTIC ANEURYSM. Identifiers: MedGen C3151077, MONDO:0013418, OMIM 613780.
MYLK-related disorder. Also called: MYLK-related condition.
Familial thoracic aortic aneurysm and aortic dissection (TAAD). Also called: Thoracic aortic aneurysms and dissections. Identifiers: Orphanet 91387, MedGen C4707243, MONDO:0019625.

Allele frequency attached by ClinVar (database versions not stated): ExAC 0.00001; gnomAD exomes 0.00001 and 0.00005; gnomAD 0.00004.
gnomAD v4.1: 72 of 1,613,602 alleles (0.0045%); highest among the groups gnomAD compares: African/African-American, 0.0054%; no homozygotes.

Submissions (4):

Labcorp Genetics (formerly Invitae), Labcorp
Classification: Likely benign for Aortic aneurysm, familial thoracic 7. Last evaluated: 2025-10-18. Review status: criteria provided, single submitter. Criteria: Invitae Variant Classification Sherloc (09022015). Collection method: clinical testing. Allele origin: germline.

Ambry Genetics
Classification: Likely benign for Familial thoracic aortic aneurysm and aortic dissection. Last evaluated: 2022-03-29. Review status: criteria provided, single submitter. Criteria: Ambry Variant Classification Scheme 2023. Collection method: clinical testing. Allele origin: germline.

GeneDx
Classification: Likely benign. Last evaluated: 2019-05-09. Review status: criteria provided, single submitter. Criteria: GeneDx Variant Classification Process June 2021. Collection method: clinical testing. Allele origin: germline. Affected: yes.

PreventionGenetics, part of Exact Sciences
Classification: Likely benign for MYLK-related condition. Last evaluated: 2024-03-29. Review status: no assertion criteria provided. Collection method: clinical testing. Allele origin: germline. Not counted in ClinVar's aggregate classification.
Comment: This variant is classified as likely benign based on ACMG/AMP sequence variant interpretation guidelines (Richards et al. 2015 PMID: 25741868, with internal and published modifications).

NM_053025.4(MYLK):c.3084C>T (p.Asn1028=)

Gene: MYLK (myosin light chain kinase; minus strand). Cytogenetic location: 3q21.1.
Variant type: single nucleotide variant.
Coding change: c.3084C>T on transcript NM_053025.4 (MANE Select); coding-DNA position 3084, C replaced by T.
Protein change: p.Asn1028=; no amino-acid change (asparagine 1028 retained).
Molecular consequence: synonymous variant.
Genome position (GRCh38, 1-based): chr3:123,700,384, G>A on the plus strand (C>T on the coding strand, the complement: MYLK is on the minus strand). VCF-style: chr3-123700384-G-A. GRCh37 (hg19) VCF-style: chr3-123419231-G-A.
Other names: c.2556C>T, p.Asn852= (NM_001321309.2); c.2877C>T, p.Asn959= (NM_053026.4, NM_053028.4); c.3084C>T, p.Asn1028= (NM_053027.4).
Identifiers: ClinVar variation 1089066 (VCV001089066.15), dbSNP rs751399308, ClinGen allele CA069318.
Genomic context (GRCh38, chr3:123,700,384, plus strand): 5'-CTTCAGGGTCTCGGCAGGCTTGGCGTTGCCCATTGGCTTCAGGGTCTCAGCAGGCTTGGC[G>A]TTGCCCACGGGTTTCAAGGGCCCTGAAGGCTGTGCATTGCTCAGGGGCTTGGAACTCTCC-3'
Protein context (NP_444253.3, residues 1018-1038): QPSGPLKPVG[Asn1028=]AKPAETLKPM